The following is an entry in ClinVar:

NM_173841.2(IL1RN):c.*1156T>C

Gene: IL1RN (interleukin 1 receptor antagonist; plus strand). Cytogenetic location: 2q14.1.
Variant type: single nucleotide variant.
Coding change: c.*1156T>C on transcript NM_173841.2; 1156 bases downstream of the stop codon, T replaced by C.
Genome position (GRCh38, 1-based): chr2:113,134,027, T>C. VCF-style: chr2-113134027-T-C. GRCh37 (hg19) VCF-style: chr2-113891604-T-C.
Identifiers: ClinVar variation 893684 (VCV000893684.6), dbSNP rs140343304, ClinGen allele CA53699071.

ClinVar aggregate classification (germline): Likely benign (1 of 4 stars; one submission).

Conditions:
Sterile multifocal osteomyelitis with periostitis and pustulosis. Also called: CHRONIC RECURRENT MULTIFOCAL OSTEOMYELITIS 2, WITH PERIOSTITIS AND PUSTULOSIS. Identifiers: Orphanet 210115, MedGen C2748507, MONDO:0013021, OMIM 612852.

Allele frequency attached by ClinVar (database versions not stated): 1000 Genomes Project 0.00040; TOPMed 0.00014; 1000 Genomes Project 30x 0.00031; gnomAD 0.00015.

Submission:

Illumina Laboratory Services, Illumina
Classification: Likely benign for Sterile multifocal osteomyelitis with periostitis and pustulosis. Last evaluated: 2018-01-13. Review status: criteria provided, single submitter. Criteria: ICSL Variant Classification Criteria 13 December 2019. Collection method: clinical testing. Allele origin: germline.
Comment: This variant was observed in the ICSL laboratory as part of a predisposition screen in an ostensibly healthy population. It had not been previously curated by ICSL or reported in the Human Gene Mutation Database (HGMD: prior to June 1st, 2018), and was therefore a candidate for classification through an automated scoring system. Utilizing variant allele frequency, disease prevalence and penetrance estimates, and inheritance mode, an automated score was calculated to assess if this variant is too frequent to cause the disease. Based on the score and internal cut-off values, a variant classified as likely benign is not then subjected to further curation. The score for this variant resulted in a classification of likely benign for this disease.